The following is an entry in ClinVar:

NM_004995.4(MMP14):c.1489T>C (p.Tyr497His)

Gene: MMP14 (matrix metallopeptidase 14; plus strand). Cytogenetic location: 14q11.2.
Variant type: single nucleotide variant.
Coding change: c.1489T>C on transcript NM_004995.4 (MANE Select); coding-DNA position 1489, T replaced by C.
Protein change: p.Tyr497His; replaces tyrosine 497 with histidine.
Molecular consequence: missense variant.
Genome position (GRCh38, 1-based): chr14:22,845,779, T>C. VCF-style: chr14-22845779-T-C. GRCh37 (hg19) VCF-style: chr14-23314988-T-C.
Other names: short protein forms Y497H.
Identifiers: ClinVar variation 2129657 (VCV002129657.4), dbSNP rs1442419564, ClinGen allele CA388934646.
Genomic context (GRCh38, chr14:22,845,779, plus strand): 5'-TTCTACAAGGGGAACAAATACTGGAAATTCAACAACCAGAAGCTGAAGGTAGAACCGGGC[T>C]ACCCCAAGTCAGCCCTGAGGGACTGGATGGGCTGCCCATCGGGAGGCCGGCCGGATGAGG-3'
Protein context (NP_004986.1, residues 487-507): NNQKLKVEPG[Tyr497His]PKSALRDWMG

ClinVar aggregate classification (germline): Uncertain significance (1 of 4 stars; one submission).

Allele frequency attached by ClinVar (database versions not stated): TOPMed 0.00002; gnomAD 0.00003.
gnomAD v4.1: 4 of 1,614,066 alleles (0.00025%); highest among the groups gnomAD compares: African/African-American, 0.0053%; no homozygotes.

Submission:

Labcorp Genetics (formerly Invitae), Labcorp
Classification: Uncertain significance. Last evaluated: 2022-04-23. Review status: criteria provided, single submitter. Criteria: Invitae Variant Classification Sherloc (09022015). Collection method: clinical testing. Allele origin: germline.
Comment: This sequence change replaces tyrosine, which is neutral and polar, with histidine, which is basic and polar, at codon 497 of the MMP14 protein (p.Tyr497His). This variant is present in population databases (no rsID available, gnomAD 0.008%). In summary, the available evidence is currently insufficient to determine the role of this variant in disease. Therefore, it has been classified as a Variant of Uncertain Significance. Algorithms developed to predict the effect of missense changes on protein structure and function are either unavailable or do not agree on the potential impact of this missense change (SIFT: "Deleterious"; PolyPhen-2: "Probably Damaging"; Align-GVGD: "Class C0"). This variant has not been reported in the literature in individuals affected with MMP14-related conditions.